The following is an entry in ClinVar:

ClinVar aggregate classification (germline): Uncertain significance (1 of 4 stars; one submission).

Conditions:
Neurofibromatosis, type 1 (NF1). Also called: Neurofibromatosis, type I; NEUROFIBROMATOSIS, TYPE I, SOMATIC; Peripheral type neurofibromatosis; VON RECKLINGHAUSEN DISEASE. Identifiers: Orphanet 636, MedGen C0027831, MONDO:0018975, OMIM 162200. Disease mechanism: loss of function.

Allele frequency attached by ClinVar (database versions not stated): gnomAD exomes below 0.00001.
gnomAD v4.1: 1 of 1,613,482 alleles (0.000062%); highest among the groups gnomAD compares: South Asian, 0.0011%; no homozygotes.

Submission:

Labcorp Genetics (formerly Invitae), Labcorp
Classification: Uncertain significance for Neurofibromatosis, type 1. Last evaluated: 2023-06-28. Review status: criteria provided, single submitter. Criteria: Invitae Variant Classification Sherloc (09022015). Collection method: clinical testing. Allele origin: germline.
Comment: In summary, the available evidence is currently insufficient to determine the role of this variant in disease. Therefore, it has been classified as a Variant of Uncertain Significance. Advanced modeling of protein sequence and biophysical properties (such as structural, functional, and spatial information, amino acid conservation, physicochemical variation, residue mobility, and thermodynamic stability) performed at Invitae indicates that this missense variant is expected to disrupt NF1 protein function. This variant has not been reported in the literature in individuals affected with NF1-related conditions. This variant is not present in population databases (gnomAD no frequency). This sequence change replaces glutamine, which is neutral and polar, with glutamic acid, which is acidic and polar, at codon 543 of the NF1 protein (p.Gln543Glu).

NM_001042492.3(NF1):c.1627C>G (p.Gln543Glu)

Gene: NF1 (neurofibromin 1; plus strand). Cytogenetic location: 17q11.2.
Variant type: single nucleotide variant.
Coding change: c.1627C>G on transcript NM_001042492.3 (MANE Select); coding-DNA position 1627, C replaced by G.
Protein change: p.Gln543Glu; replaces glutamine 543 with glutamic acid.
Molecular consequence: missense variant.
Genome position (GRCh38, 1-based): chr17:31,219,104, C>G. VCF-style: chr17-31219104-C-G. GRCh37 (hg19) VCF-style: chr17-29546122-C-G.
Other names: c.1627C>G, p.Gln543Glu (NM_000267.4, NM_001128147.3); short protein forms Q543E.
Identifiers: ClinVar variation 2731643 (VCV002731643.3), dbSNP rs894292181, ClinGen allele CA399002103.